The following is an entry in ClinVar:

NM_005208.5(CRYBA1):c.215+1G>T

Gene: CRYBA1 (crystallin beta A1; plus strand). Cytogenetic location: 17q11.2.
Variant type: single nucleotide variant.
Coding change: c.215+1G>T on transcript NM_005208.5 (MANE Select); the canonical splice donor site of the intron after coding-DNA position 215, G replaced by T.
Molecular consequence: splice donor variant.
Genome position (GRCh38, 1-based): chr17:29,250,301, G>T. VCF-style: chr17-29250301-G-T. GRCh37 (hg19) VCF-style: chr17-27577319-G-T.
Identifiers: ClinVar variation 572809 (VCV000572809.7), dbSNP rs1264025914, ClinGen allele CA398475898.
Genomic context (GRCh38, chr17:29,250,301, plus strand): 5'-TCCAAATGTCTCTGAGCGCAGTTTTGATAATGTCCGGTCCCTGAAGGTGGAAAGTGGCGC[G>T]TGAGTATGGACTTCCGCAGAACCGCAGCCCCTTATTTCAGGTCCCTTCAGACAGGGGACC-3'

ClinVar aggregate classification (germline): Pathogenic/Likely pathogenic. Review status: criteria provided, multiple submitters, no conflicts (2 of 4 stars). 3 submissions from 3 submitters: Pathogenic (2); Likely pathogenic (1). Last evaluated 2026-01-26.

Conditions:
Cataract 10 multiple types. Also called: CATARACT 10, CONGENITAL ZONULAR, WITH SUTURAL OPACITIES. Identifiers: Orphanet 91492, MedGen C1833229, MONDO:0010948, OMIM 600881.
CRYBA1-related disorder. Also called: CRYBA1-related condition.

Submissions (3):

Medical and Scientific Branch, Hong Kong Genome Institute
Classification: Likely pathogenic for Cataract 10 multiple types. Last evaluated: 2026-01-26. Review status: criteria provided, single submitter. Criteria: ACMG Guidelines, 2015. Collection method: clinical testing. Allele origin: paternal. Affected: yes.

Blueprint Genetics
Classification: Pathogenic for CRYBA1-related disorders. Last evaluated: 2021-12-01. Review status: criteria provided, single submitter. Criteria: ACMG Guidelines, 2015. Collection method: clinical testing. Allele origin: germline. Affected: yes. Observed: 3 variant alleles.

Labcorp Genetics (formerly Invitae), Labcorp
Classification: Pathogenic for Cataract 10 multiple types. Last evaluated: 2018-03-01. Review status: criteria provided, single submitter. Criteria: Invitae Variant Classification Sherloc (09022015). Collection method: clinical testing. Allele origin: germline.
Comment: This sequence change affects a donor splice site in intron 3 of the CRYBA1 gene. It is expected to disrupt RNA splicing and likely results in an absent or disrupted protein product. This variant is not present in population databases (ExAC no frequency). This variant has been reported to segregate with congenital bilateral cataracts in a family (PMID: 21850182). Two different variants affecting this nucleotide (c.215+1G>A and c.215+1G>C) have been determined to be pathogenic and segregate with cataracts in several families (PMID: 9788845, 22919269, 20142846, 26851658). In addition, experimental studies of the c.215+1G>A variant in have shown that changes to this CRYBA1 donor site result in exon skipping (PMID: 11006214). This suggests that this nucleotide is important for normal RNA splicing, and that other variants at this position may also be pathogenic. For these reasons, this variant has been classified as Pathogenic.

Literature cited by the submitters: PubMed 21850182 (cited by Labcorp Genetics (formerly Invitae), Labcorp); PubMed 9788845 (cited by Labcorp Genetics (formerly Invitae), Labcorp); PubMed 22919269 (cited by Labcorp Genetics (formerly Invitae), Labcorp); PubMed 20142846 (cited by Labcorp Genetics (formerly Invitae), Labcorp); PubMed 26851658 (cited by Labcorp Genetics (formerly Invitae), Labcorp); PubMed 11006214 (cited by Labcorp Genetics (formerly Invitae), Labcorp).